The following is an entry in ClinVar:

NM_000372.5(TYR):c.875C>T (p.Thr292Met)

Gene: TYR (tyrosinase; plus strand). Cytogenetic location: 11q14.3.
Variant type: single nucleotide variant.
Coding change: c.875C>T on transcript NM_000372.5 (MANE Select); coding-DNA position 875, C replaced by T.
Protein change: p.Thr292Met; replaces threonine 292 with methionine.
Molecular consequence: missense variant.
Genome position (GRCh38, 1-based): chr11:89,191,257, C>T. VCF-style: chr11-89191257-C-T. GRCh37 (hg19) VCF-style: chr11-88924425-C-T.
Other names: short protein forms T292M.
Identifiers: ClinVar variation 99585 (VCV000099585.5), dbSNP rs61754372, ClinGen allele CA227595.

ClinVar aggregate classification (germline): Uncertain significance. Review status: criteria provided, multiple submitters, no conflicts (2 of 4 stars). 3 submissions from 3 submitters: Uncertain significance (2). 1 of the submissions does not count toward it. Last evaluated 2022-01-31.

Conditions:
Oculocutaneous albinism type 1A (OCA1A). Also called: Albinism, oculocutaneous, type IA. Identifiers: Orphanet 352731, Orphanet 79431, MedGen C4551504, MONDO:0008745, OMIM 203100. Disease mechanism: loss of function.
Oculocutaneous albinism type 1B (OCA1B). Also called: ALBINISM, OCULOCUTANEOUS, TYPE IB; ALBINISM, YELLOW MUTANT TYPE; YELLOW ALBINISM. Identifiers: Orphanet 352731, Orphanet 352737, Orphanet 79434, MedGen C1847024, MONDO:0011749, OMIM 606952.
SKIN/HAIR/EYE PIGMENTATION 3, LIGHT/DARK SKIN (SHEP3). Also called: SKIN/HAIR/EYE PIGMENTATION, VARIATION IN, 3; EYE COLOR 1; EYE COLOR, GREEN/BLUE; SKIN/HAIR/EYE PIGMENTATION 3, BLUE/GREEN EYE COLOR; SKIN/HAIR/EYE PIGMENTATION 3, FRECKLING. Identifiers: MedGen C2677190, OMIM 601800.

Allele frequency attached by ClinVar (database versions not stated): TOPMed 0.00002; gnomAD 0.00003.
gnomAD v4.1: 49 of 1,613,382 alleles (0.003%); highest among the groups gnomAD compares: African/African-American, 0.0067%; no homozygotes.

Submissions (3):

Labcorp Genetics (formerly Invitae), Labcorp
Classification: Uncertain significance. Last evaluated: 2022-01-31. Review status: criteria provided, single submitter. Criteria: Invitae Variant Classification Sherloc (09022015). Collection method: clinical testing. Allele origin: germline.
Comment: This sequence change replaces threonine, which is neutral and polar, with methionine, which is neutral and non-polar, at codon 292 of the TYR protein (p.Thr292Met). This variant is present in population databases (rs61754372, gnomAD 0.004%). This variant has not been reported in the literature in individuals affected with TYR-related conditions. ClinVar contains an entry for this variant (Variation ID: 99585). Advanced modeling of protein sequence and biophysical properties (such as structural, functional, and spatial information, amino acid conservation, physicochemical variation, residue mobility, and thermodynamic stability) performed at Invitae indicates that this missense variant is not expected to disrupt TYR protein function. In summary, the available evidence is currently insufficient to determine the role of this variant in disease. Therefore, it has been classified as a Variant of Uncertain Significance.

Fulgent Genetics
Classification: Uncertain significance for Oculocutaneous albinism type 1A; SKIN/HAIR/EYE PIGMENTATION 3, LIGHT/DARK SKIN; Oculocutaneous albinism type 1B. Last evaluated: 2021-12-23. Review status: criteria provided, single submitter. Criteria: ACMG Guidelines, 2015. Collection method: clinical testing. Allele origin: unknown.

Retina International
No classification provided. Review status: no classification provided. Collection method: not provided. Allele origin: not provided. Not counted in ClinVar's aggregate classification.